The following is an entry in ClinVar:

NM_032119.4(ADGRV1):c.3303A>G (p.Val1101=)

Gene: ADGRV1 (adhesion G protein-coupled receptor V1; plus strand). Cytogenetic location: 5q14.3.
Variant type: single nucleotide variant.
Coding change: c.3303A>G on transcript NM_032119.4 (MANE Select); coding-DNA position 3303, A replaced by G.
Protein change: p.Val1101=; no amino-acid change (valine 1101 retained).
Molecular consequence: synonymous variant. On other transcripts: non-coding transcript variant (1).
Genome position (GRCh38, 1-based): chr5:90,651,617, A>G. VCF-style: chr5-90651617-A-G. GRCh37 (hg19) VCF-style: chr5-89947434-A-G.
Identifiers: ClinVar variation 46315 (VCV000046315.32), dbSNP rs80069610, ClinGen allele CA138104.
Genomic context (GRCh38, chr5:90,651,617, plus strand): 5'-AAGTTAGCTACTTCTTTGTTATTTTGTCTTTTCCACTTTTAATTTAGGTGATACAGTAGT[A>G]TATCAATATGGAGTAGCTACAGTAATAATTGAAGCTAATGATGACCCAAATGGCATTTTT-3'
Protein context (NP_115495.3, residues 1091-1111): ILLNSTGDTV[Val1101=]YQYGVATVII

ClinVar aggregate classification (germline): Benign/Likely benign. Review status: criteria provided, multiple submitters, no conflicts (2 of 4 stars). 9 submissions from 9 submitters: Benign (5); Likely benign (1). 3 of the submissions do not count toward it. Last evaluated 2026-01-28.

Conditions:
Usher syndrome type 2C. Also called: Usher syndrome, type 2B; USHER SYNDROME, TYPE IIC. Identifiers: Orphanet 231178, Orphanet 886, MedGen C2931213, MONDO:0011558, OMIM 605472.

Allele frequency attached by ClinVar (database versions not stated): ESP Exome Variant Server 0.00009; gnomAD exomes 0.00112 and 0.00262; TOPMed 0.00130; gnomAD 0.00133 and 0.00165; ExAC 0.00307; 1000 Genomes Project 30x 0.00484; 1000 Genomes Project 0.00499.
gnomAD v4.1: 1,859 of 1,579,550 alleles (0.12%); highest among the groups gnomAD compares: East Asian, 2%; 23 homozygotes.

Submissions (9):

Labcorp Genetics (formerly Invitae), Labcorp
Classification: Benign. Last evaluated: 2026-01-28. Review status: criteria provided, single submitter. Criteria: Invitae Variant Classification Sherloc (09022015). Collection method: clinical testing. Allele origin: germline.

ARUP Laboratories, Molecular Genetics and Genomics, ARUP Laboratories
Classification: Benign. Last evaluated: 2023-11-29. Review status: criteria provided, single submitter. Criteria: ARUP Molecular Germline Variant Investigation Process 2024. Collection method: clinical testing. Allele origin: germline.

GeneDx
Classification: Benign. Last evaluated: 2018-04-24. Review status: criteria provided, single submitter. Criteria: GeneDx Variant Classification (06012015). Collection method: clinical testing. Allele origin: germline. Affected: yes.
Comment: This variant is considered likely benign or benign based on one or more of the following criteria: it is a conservative change, it occurs at a poorly conserved position in the protein, it is predicted to be benign by multiple in silico algorithms, and/or has population frequency not consistent with disease.

Illumina Laboratory Services, Illumina
Classification: Likely benign for Usher syndrome type 2C. Last evaluated: 2018-01-13. Review status: criteria provided, single submitter. Criteria: ICSL Variant Classification Criteria 13 December 2019. Collection method: clinical testing. Allele origin: germline.
Comment: This variant was observed in the ICSL laboratory as part of a predisposition screen in an ostensibly healthy population. It had not been previously curated by ICSL or reported in the Human Gene Mutation Database (HGMD: prior to June 1st, 2018), and was therefore a candidate for classification through an automated scoring system. Utilizing variant allele frequency, disease prevalence and penetrance estimates, and inheritance mode, an automated score was calculated to assess if this variant is too frequent to cause the disease. Based on the score and internal cut-off values, a variant classified as likely benign is not then subjected to further curation. The score for this variant resulted in a classification of likely benign for this disease.

Eurofins Ntd Llc (ga)
Classification: Benign. Last evaluated: 2015-08-12. Review status: criteria provided, single submitter. Criteria: EGL Classification Definitions 2015. Collection method: clinical testing. Allele origin: germline. Observed: 1 variant allele, 1 heterozygote.

Laboratory for Molecular Medicine, Mass General Brigham Personalized Medicine
Classification: Benign. Last evaluated: 2012-06-08. Review status: criteria provided, single submitter. Criteria: LMM Criteria. Collection method: clinical testing. Allele origin: germline. Observed: 4 variant alleles.

Clinical Genetics DNA and cytogenetics Diagnostics Lab, Erasmus MC, Erasmus Medical Center
Classification: Likely benign. Review status: no assertion criteria provided. Collection method: clinical testing. Allele origin: germline. Affected: yes. Study: VKGL Data-share Consensus. Not counted in ClinVar's aggregate classification.

Clinical Genetics, Academic Medical Center
Classification: Benign. Review status: no assertion criteria provided. Collection method: clinical testing. Allele origin: germline. Affected: yes. Study: VKGL Data-share Consensus. Not counted in ClinVar's aggregate classification.

Genetic Services Laboratory, University of Chicago
Classification: Likely benign. Review status: no assertion criteria provided. Collection method: clinical testing. Allele origin: germline. Inheritance: Autosomal dominant inheritance. Not counted in ClinVar's aggregate classification.
Comment: Likely benign based on allele frequency in 1000 Genomes Project or ESP global frequency and its presence in a patient with a rare or unrelated disease phenotype. NOT Sanger confirmed